The following is an entry in ClinVar:

ClinVar aggregate classification (germline): Uncertain significance. Review status: criteria provided, multiple submitters, no conflicts (2 of 4 stars). 2 submissions from 2 submitters: Uncertain significance (2). Last evaluated 2024-02-07.

Allele frequency attached by ClinVar (database versions not stated): gnomAD 0.00001 and 0.00003; ExAC 0.00002; gnomAD exomes 0.00002 and 0.00003; TOPMed 0.00002; ESP Exome Variant Server 0.00015.
gnomAD v4.1: 45 of 1,599,060 alleles (0.0028%); highest among the groups gnomAD compares: African/African-American, 0.011%; no homozygotes.

Submissions (2):

Labcorp Genetics (formerly Invitae), Labcorp
Classification: Uncertain significance. Last evaluated: 2024-02-07. Review status: criteria provided, single submitter. Criteria: Invitae Variant Classification Sherloc (09022015). Collection method: clinical testing. Allele origin: germline.
Comment: This sequence change replaces valine, which is neutral and non-polar, with isoleucine, which is neutral and non-polar, at codon 1062 of the LAMC3 protein (p.Val1062Ile). This variant is present in population databases (rs150681325, gnomAD 0.004%). This variant has not been reported in the literature in individuals affected with LAMC3-related conditions. ClinVar contains an entry for this variant (Variation ID: 1414188). Algorithms developed to predict the effect of missense changes on protein structure and function output the following: SIFT: "Not Available"; PolyPhen-2: "Benign"; Align-GVGD: "Not Available". The isoleucine amino acid residue is found in multiple mammalian species, which suggests that this missense change does not adversely affect protein function. In summary, the available evidence is currently insufficient to determine the role of this variant in disease. Therefore, it has been classified as a Variant of Uncertain Significance.

GeneDx
Classification: Uncertain significance. Last evaluated: 2023-07-25. Review status: criteria provided, single submitter. Criteria: GeneDx Variant Classification Process June 2021. Collection method: clinical testing. Allele origin: germline. Affected: yes.
Comment: Not observed at significant frequency in large population cohorts (gnomAD); In silico analysis supports that this missense variant does not alter protein structure/function; Has not been previously published as pathogenic or benign to our knowledge

NM_006059.4(LAMC3):c.3184G>A (p.Val1062Ile)

Gene: LAMC3 (laminin subunit gamma 3; plus strand). Cytogenetic location: 9q34.12.
Variant type: single nucleotide variant.
Coding change: c.3184G>A on transcript NM_006059.4 (MANE Select); coding-DNA position 3184, G replaced by A.
Protein change: p.Val1062Ile; replaces valine 1062 with isoleucine.
Molecular consequence: missense variant.
Genome position (GRCh38, 1-based): chr9:131,071,598, G>A. VCF-style: chr9-131071598-G-A. GRCh37 (hg19) VCF-style: chr9-133946985-G-A.
Other names: c.3184G>A (NM_006059.3); short protein forms V1062I.
Identifiers: ClinVar variation 1414188 (VCV001414188.6), dbSNP rs150681325, ClinGen allele CA5287696.